The following is an entry in ClinVar:

NM_000304.4(PMP22):c.185T>G (p.Leu62Arg)

Gene: PMP22 (peripheral myelin protein 22; minus strand). Cytogenetic location: 17p12.
Variant type: single nucleotide variant.
Coding change: c.185T>G on transcript NM_000304.4 (MANE Select); coding-DNA position 185, T replaced by G.
Protein change: p.Leu62Arg; replaces leucine 62 with arginine.
Molecular consequence: missense variant. On other transcripts: non-coding transcript variant (2).
Genome position (GRCh38, 1-based): chr17:15,239,605, A>C on the plus strand (T>G on the coding strand, the complement: PMP22 is on the minus strand). VCF-style: chr17-15239605-A-C. GRCh37 (hg19) VCF-style: chr17-15142922-A-C.
Other names: c.185T>G, p.Leu62Arg (NM_001281455.2, NM_001281456.2, NM_001330143.2 and 2 more transcripts); short protein forms L62R.
Identifiers: ClinVar variation 188195 (VCV000188195.10), dbSNP rs756046682, ClinGen allele CA334283.
Genomic context (GRCh38, chr17:15,239,605, plus strand): 5'-AGGAACAGAGACAGAATGCTGAAGATGATCGACAGGATCATGGTGGCCTGGACAGACTGC[A>C]GCCATTCTGGGGGAAAGAGACACTTGGTTAGGAGAGCTGGCCATGGCCGGGGGAGGGCTC-3'
Protein context (NP_000295.1, residues 52-72): HCFSSSPNEW[Leu62Arg]QSVQATMILS

ClinVar aggregate classification (germline): Uncertain significance. Review status: criteria provided, multiple submitters, no conflicts (2 of 4 stars). 5 submissions from 5 submitters: Uncertain significance (5). Last evaluated 2026-08-19.

Conditions:
PMP22-related disorder. Also called: PMP22-related condition; PMP22-related disorders.
Guillain-Barre syndrome, familial (GBS). Identifiers: Orphanet 98916, MedGen C4083008, MONDO:0007691, OMIM 139393.
Dejerine-Sottas disease. Also called: Charcot-Marie-Tooth disease type 3; DEJERINE-SOTTAS NEUROPATHY; HEREDITARY MOTOR AND SENSORY NEUROPATHY TYPE III; HMSN Type III; Hereditary motor and sensory neuropathy 3. Identifiers: Orphanet 64748, MedGen C0011195, MONDO:0007790, OMIM 145900.
Roussy-Lévy syndrome. Also called: Roussy-Levy Syndrome; Roussy Levy hereditary areflexic dystasia; Roussy-Levy disease; Hereditary areflexic dystasia. Identifiers: Orphanet 3115, MedGen C0205713, MONDO:0008392, OMIM 180800.
Hereditary liability to pressure palsies (HNPP). Also called: TOMACULOUS NEUROPATHY; Hereditary Neuropathy with Liability to Pressure Palsies; POLYNEUROPATHY, FAMILIAL RECURRENT. Identifiers: Orphanet 640, MedGen C0393814, MONDO:0008087, OMIM 162500.
Charcot-Marie-Tooth disease type 1E. Also called: Charcot-Marie-Tooth disease and deafness; CHARCOT-MARIE-TOOTH DISEASE, DEMYELINATING, TYPE 1E; CHARCOT-MARIE-TOOTH NEUROPATHY AND DEAFNESS, AUTOSOMAL DOMINANT; Charcot-Marie-Tooth Neuropathy Type 1E. Identifiers: Orphanet 90658, MedGen C3495591, MONDO:0007311, OMIM 118300.
Charcot-Marie-Tooth disease, type IA (CMT1A). Also called: CHARCOT-MARIE-TOOTH DISEASE, AUTOSOMAL DOMINANT, WITH FOCALLY FOLDED MYELIN SHEATHS, TYPE 1A; CHARCOT-MARIE-TOOTH NEUROPATHY, TYPE 1A; HEREDITARY MOTOR AND SENSORY NEUROPATHY IA; CMT 1A; Hereditary motor and sensory neuropathy 1A; HMSN 1A. Identifiers: Orphanet 101081, MedGen C0270911, MONDO:0007309, OMIM 118220.
Charcot-Marie-Tooth disease, type I (CMT1). Also called: Charcot-Marie-Tooth, Type 1; Charcot-Marie-Tooth disease type 1. Identifiers: Orphanet 65753, MedGen C0751036, MONDO:0019011.

Allele frequency attached by ClinVar (database versions not stated): ExAC 0.00002; gnomAD 0.00003 and 0.00004; gnomAD exomes 0.00003 and 0.00010; TOPMed 0.00003.
gnomAD v4.1: 143 of 1,613,822 alleles (0.0089%); highest among the groups gnomAD compares: Non-Finnish European, 0.012%; 1 homozygote.

Submissions (5):

PreventionGenetics, part of Exact Sciences
Classification: Uncertain significance for PMP22-related condition. Last evaluated: 2026-08-19. Review status: criteria provided, single submitter. Criteria: ACMG Guidelines, 2015. Collection method: clinical testing. Allele origin: germline.
Comment: The PMP22 c.185T>G variant is predicted to result in the amino acid substitution p.Leu62Arg. This variant was reported in an individual with peripheral neuropathy (Antoniadi et al. 2015. PubMed ID: 26392352). This variant is reported in 0.0062% of alleles in individuals of European (Non-Finnish) descent in gnomAD. At this time, the clinical significance of this variant is uncertain due to the absence of conclusive functional and genetic evidence.

Labcorp Genetics (formerly Invitae), Labcorp
Classification: Uncertain significance for Charcot-Marie-Tooth disease, type I. Last evaluated: 2024-08-05. Review status: criteria provided, single submitter. Criteria: Invitae Variant Classification Sherloc (09022015). Collection method: clinical testing. Allele origin: germline.
Comment: This sequence change replaces leucine, which is neutral and non-polar, with arginine, which is basic and polar, at codon 62 of the PMP22 protein (p.Leu62Arg). This variant is present in population databases (rs756046682, gnomAD 0.006%). This missense change has been observed in individual(s) with hereditary motor neuropathy (PMID: 26392352). ClinVar contains an entry for this variant (Variation ID: 188195). An algorithm developed to predict the effect of missense changes on protein structure and function (PolyPhen-2) suggests that this variant is likely to be disruptive. In summary, the available evidence is currently insufficient to determine the role of this variant in disease. Therefore, it has been classified as a Variant of Uncertain Significance.

Athena Diagnostics
Classification: Uncertain significance. Last evaluated: 2021-01-19. Review status: criteria provided, single submitter. Criteria: Athena Diagnostics criteria. Collection method: clinical testing. Allele origin: unknown.

Women's Health and Genetics/Laboratory Corporation of America, LabCorp
Classification: Uncertain significance. Last evaluated: 2019-12-19. Review status: criteria provided, single submitter. Criteria: LabCorp Variant Classification Summary - May 2015. Collection method: clinical testing. Allele origin: germline.
Comment: Variant summary: PMP22 c.185T>G (p.Leu62Arg) results in a non-conservative amino acid change in the encoded protein sequence. Five of five in-silico tools predict a damaging effect of the variant on protein function. The variant allele was found at a frequency of 2.8e-05 in 251160 control chromosomes (gnomAD). The available data on variant occurrences in the general population are insufficient to allow any conclusion about variant significance. c.185T>G has been reported in the literature in an individual affected with hereditary motor neuropathy (Antoniadi_2015). This report does not provide unequivocal conclusions about association of the variant with PMP22-Related Disorders. To our knowledge, no experimental evidence demonstrating an impact on protein function has been reported. Two ClinVar submitters (evaluation after 2014) cite the variant as uncertain significance. Based on the evidence outlined above, the variant was classified as uncertain significance.

Fulgent Genetics
Classification: Uncertain significance for Charcot-Marie-Tooth disease, type IA; Charcot-Marie-Tooth disease type 1E; Guillain-Barre syndrome, familial; Dejerine-Sottas disease; Hereditary liability to pressure palsies; Roussy-Lévy syndrome. Last evaluated: 2018-10-31. Review status: criteria provided, single submitter. Criteria: ACMG Guidelines, 2015. Collection method: clinical testing. Allele origin: unknown.

Literature cited by the submitters: PubMed 26392352 (cited by 3 submitters).